The following is an entry in ClinVar:

NM_006767.4(LZTR1):c.2385C>G (p.Ile795Met)

Gene: LZTR1 (leucine zipper like post translational regulator 1; plus strand). Cytogenetic location: 22q11.21.
Variant type: single nucleotide variant.
Coding change: c.2385C>G on transcript NM_006767.4 (MANE Select); coding-DNA position 2385, C replaced by G.
Protein change: p.Ile795Met; replaces isoleucine 795 with methionine.
Molecular consequence: missense variant.
Genome position (GRCh38, 1-based): chr22:20,996,945, C>G. VCF-style: chr22-20996945-C-G. GRCh37 (hg19) VCF-style: chr22-21351234-C-G.
Other names: short protein forms I795M.
Identifiers: ClinVar variation 3238238 (VCV003238238.2), dbSNP rs2518626126.
Genomic context (GRCh38, chr22:20,996,945, plus strand): 5'-GATCCTGGAGGCAGCTGACAAAACGCAGGCACTGGACATGAAGCGGCACTGCCTGCACAT[C>G]ATTGTGCACCAGTTCACCAAGGTCAGGGCTCTGGCCTCCCCTTCAGGACTCGCTTCCCCT-3'
Protein context (NP_006758.2, residues 785-805): ALDMKRHCLH[Ile795Met]IVHQFTKVSK

ClinVar aggregate classification (germline): Uncertain significance (1 of 4 stars; one submission).

Conditions:
Hereditary cancer-predisposing syndrome. Also called: Neoplastic Syndromes, Hereditary; Tumor predisposition; Hereditary neoplastic syndrome; Hereditary Cancer Syndrome. Identifiers: Orphanet 140162, MedGen C0027672, MeSH D009386, MONDO:0015356.
Cardiovascular phenotype. Identifiers: MedGen CN230736.

Allele frequency attached by ClinVar (database versions not stated): gnomAD exomes below 0.00001.
gnomAD v4.1: 5 of 1,613,638 alleles (0.00031%); highest among the groups gnomAD compares: Non-Finnish European, 0.00042%; no homozygotes.

Submission:

Ambry Genetics
Classification: Uncertain significance for Cardiovascular phenotype; Hereditary cancer-predisposing syndrome. Last evaluated: 2025-07-24. Review status: criteria provided, single submitter. Criteria: Ambry Variant Classification Scheme 2023. Collection method: clinical testing. Allele origin: germline.
Comment: The p.I795M variant (also known as c.2385C>G), located in coding exon 20 of the LZTR1 gene, results from a C to G substitution at nucleotide position 2385. The isoleucine at codon 795 is replaced by methionine, an amino acid with highly similar properties. This amino acid position is highly conserved in available vertebrate species. In addition, the in silico prediction for this alteration is inconclusive. Based on the available evidence, the clinical significance of this variant remains unclear.